The following is an entry in ClinVar:

ClinVar aggregate classification (germline): Conflicting classifications of pathogenicity. Review status: criteria provided, conflicting classifications (1 of 4 stars). 3 submissions from 3 submitters: Uncertain significance (2); Likely benign (1). Last evaluated 2025-02-11.

Allele frequency attached by ClinVar (database versions not stated): ExAC 0.00001; gnomAD 0.00001; TOPMed 0.00001.

Submissions (3):

Labcorp Genetics (formerly Invitae), Labcorp
Classification: Uncertain significance. Last evaluated: 2025-02-11. Review status: criteria provided, single submitter. Criteria: Invitae Variant Classification Sherloc (09022015). Collection method: clinical testing. Allele origin: germline.
Comment: This sequence change replaces methionine, which is neutral and non-polar, with arginine, which is basic and polar, at codon 1433 of the SORL1 protein (p.Met1433Arg). This variant is present in population databases (rs756087489, gnomAD 0.002%). This variant has not been reported in the literature in individuals affected with SORL1-related conditions. ClinVar contains an entry for this variant (Variation ID: 2989201). An algorithm developed to predict the effect of missense changes on protein structure and function (PolyPhen-2) suggests that this variant is likely to be tolerated. In summary, the available evidence is currently insufficient to determine the role of this variant in disease. Therefore, it has been classified as a Variant of Uncertain Significance.

Ambry Genetics
Classification: Uncertain significance. Last evaluated: 2024-12-06. Review status: criteria provided, single submitter. Criteria: Ambry Variant Classification Scheme 2023. Collection method: clinical testing. Allele origin: germline.

Blueprint Genetics
Classification: Likely benign. Last evaluated: 2023-06-06. Review status: criteria provided, single submitter. Criteria: ACMG Guidelines, 2015. Collection method: clinical testing. Allele origin: germline.

NM_003105.6(SORL1):c.4298T>G (p.Met1433Arg)

Gene: SORL1 (sortilin related receptor 1; plus strand). Cytogenetic location: 11q24.1.
Variant type: single nucleotide variant.
Coding change: c.4298T>G on transcript NM_003105.6 (MANE Select); coding-DNA position 4298, T replaced by G.
Protein change: p.Met1433Arg; replaces methionine 1433 with arginine.
Molecular consequence: missense variant.
Genome position (GRCh38, 1-based): chr11:121,591,085, T>G. VCF-style: chr11-121591085-T-G. GRCh37 (hg19) VCF-style: chr11-121461794-T-G.
Other names: c.4298T>G (NM_003105.5); short protein forms M1433R.
Identifiers: ClinVar variation 2989201 (VCV002989201.5), dbSNP rs756087489, ClinGen allele CA6329587.